The following is an entry in ClinVar:

ClinVar aggregate classification (germline): Benign. Review status: criteria provided, single submitter (1 of 4 stars). 2 submissions from 2 submitters: Benign (1). 1 of the submissions does not count toward it. Last evaluated 2014-09-30.

Conditions:
SHROOM4-related disorder. Also called: SHROOM4-related condition.

Allele frequency attached by ClinVar (database versions not stated): gnomAD exomes 0.00017; ExAC 0.00068; 1000 Genomes Project 0.00106; gnomAD 0.00162; 1000 Genomes Project 30x 0.00166; TOPMed 0.00200; ESP Exome Variant Server 0.00293.
gnomAD v4.1: 386 of 1,209,888 alleles (0.032%); highest among the groups gnomAD compares: African/African-American, 0.59%; no homozygotes.

Submissions (2):

Ambry Genetics
Classification: Benign. Last evaluated: 2014-09-30. Review status: criteria provided, single submitter. Criteria: Ambry Variant Classification Scheme 2023. Collection method: clinical testing. Allele origin: germline.

PreventionGenetics, part of Exact Sciences
Classification: Benign for SHROOM4-related condition. Last evaluated: 2019-08-28. Review status: no assertion criteria provided. Collection method: clinical testing. Allele origin: germline. Not counted in ClinVar's aggregate classification.
Comment: This variant is classified as benign based on ACMG/AMP sequence variant interpretation guidelines (Richards et al. 2015 PMID: 25741868, with internal and published modifications).

NM_020717.5(SHROOM4):c.2821C>T (p.Pro941Ser)

Gene: SHROOM4 (shroom family member 4; minus strand). Cytogenetic location: Xp11.22.
Variant type: single nucleotide variant.
Coding change: c.2821C>T on transcript NM_020717.5 (MANE Select); coding-DNA position 2821, C replaced by T.
Protein change: p.Pro941Ser; replaces proline 941 with serine.
Molecular consequence: missense variant. On other transcripts: non-coding transcript variant (4).
Genome position (GRCh38, 1-based): chrX:50,633,252, G>A on the plus strand (C>T on the coding strand, the complement: SHROOM4 is on the minus strand). VCF-style: chrX-50633252-G-A. GRCh37 (hg19) VCF-style: chrX-50376252-G-A.
Other names: short protein forms P941S.
Identifiers: ClinVar variation 1796453 (VCV001796453.4), dbSNP rs141331771, ClinGen allele CA10416080.